The following is an entry in ClinVar:

NM_207122.2(EXT2):c.773A>G (p.Gln258Arg)

Gene: EXT2 (exostosin glycosyltransferase 2; plus strand). Cytogenetic location: 11p11.2.
Variant type: single nucleotide variant.
Coding change: c.773A>G on transcript NM_207122.2 (MANE Select); coding-DNA position 773, A replaced by G.
Protein change: p.Gln258Arg; replaces glutamine 258 with arginine.
Molecular consequence: missense variant.
Genome position (GRCh38, 1-based): chr11:44,124,818, A>G. VCF-style: chr11-44124818-A-G. GRCh37 (hg19) VCF-style: chr11-44146368-A-G.
Other names: c.872A>G, p.Gln291Arg (NM_000401.3); c.773A>G, p.Gln258Arg (NM_001178083.3, NM_001389628.1, NM_001389630.1); short protein forms Q258R, Q291R.
Identifiers: ClinVar variation 1398609 (VCV001398609.8), dbSNP rs2135014787, ClinGen allele CA380166856.

ClinVar aggregate classification (germline): Uncertain significance (1 of 4 stars; one submission).

Conditions:
Exostoses, multiple, type 2 (EXT2). Also called: Hereditary Multiple Osteochondromatosis, Type II; EXOSTOSES, MULTIPLE, TYPE II. Identifiers: Orphanet 321, MedGen C1851413, MONDO:0007586, OMIM 133701.

gnomAD v4.1: 1 of 1,614,140 alleles (0.000062%); no homozygotes.

Submission:

Labcorp Genetics (formerly Invitae), Labcorp
Classification: Uncertain significance for Exostoses, multiple, type 2. Last evaluated: 2024-04-02. Review status: criteria provided, single submitter. Criteria: Invitae Variant Classification Sherloc (09022015). Collection method: clinical testing. Allele origin: germline.
Comment: This sequence change replaces glutamine, which is neutral and polar, with arginine, which is basic and polar, at codon 258 of the EXT2 protein (p.Gln258Arg). This variant is not present in population databases (gnomAD no frequency). This variant has not been reported in the literature in individuals affected with EXT2-related conditions. ClinVar contains an entry for this variant (Variation ID: 1398609). Advanced modeling of protein sequence and biophysical properties (such as structural, functional, and spatial information, amino acid conservation, physicochemical variation, residue mobility, and thermodynamic stability) has been performed at Invitae for this missense variant, however the output from this modeling did not meet the statistical confidence thresholds required to predict the impact of this variant on EXT2 protein function. In summary, the available evidence is currently insufficient to determine the role of this variant in disease. Therefore, it has been classified as a Variant of Uncertain Significance.